The following is an entry in ClinVar:

ClinVar aggregate classification (germline): Uncertain significance (1 of 4 stars; one submission).

Submission:

Labcorp Genetics (formerly Invitae), Labcorp
Classification: Uncertain significance. Last evaluated: 2022-05-21. Review status: criteria provided, single submitter. Criteria: Invitae Variant Classification Sherloc (09022015). Collection method: clinical testing. Allele origin: germline.
Comment: In summary, the available evidence is currently insufficient to determine the role of this variant in disease. Therefore, it has been classified as a Variant of Uncertain Significance. Algorithms developed to predict the effect of missense changes on protein structure and function are either unavailable or do not agree on the potential impact of this missense change (SIFT: "Deleterious"; PolyPhen-2: "Not Available"; Align-GVGD: "Class C0"). This variant has not been reported in the literature in individuals affected with COL4A6-related conditions. This variant is not present in population databases (gnomAD no frequency). This sequence change replaces glycine, which is neutral and non-polar, with serine, which is neutral and polar, at codon 71 of the COL4A6 protein (p.Gly71Ser).

NM_033641.4(COL4A6):c.208G>A (p.Gly70Ser)

Gene: COL4A6 (collagen type IV alpha 6 chain; minus strand). Cytogenetic location: Xq22.3.
Variant type: single nucleotide variant.
Coding change: c.208G>A on transcript NM_033641.4 (MANE Select); coding-DNA position 208, G replaced by A.
Protein change: p.Gly70Ser; replaces glycine 70 with serine.
Molecular consequence: missense variant.
Genome position (GRCh38, 1-based): chrX:108,221,311, C>T on the plus strand (G>A on the coding strand, the complement: COL4A6 is on the minus strand). VCF-style: chrX-108221311-C-T. GRCh37 (hg19) VCF-style: chrX-107464541-C-T.
Other names: c.208G>A, p.Gly70Ser (NM_001287758.2, NM_001287759.2, NM_001287760.2); c.211G>A, p.Gly71Ser (NM_001847.4); short protein forms G71S, G70S.
Identifiers: ClinVar variation 1993866 (VCV001993866.4), dbSNP rs2522446655, ClinGen allele CA413904605.
Genomic context (GRCh38, chrX:108,221,311, plus strand): 5'-TTGGTCCATAAGGTCCCAGAAGGCCTGGGAAACCCCTTTCTCCTTTCAATCCCGATAAAC[C>T]AGTAGAGCCAGTGAATCCTTGAGGACCTGTTGGGCCTTGAATTCCAATTGGTCCAGGTCG-3'
Protein context (NP_378667.1, residues 60-80): TGPQGFTGST[Gly70Ser]LSGLKGERGF